The following is an entry in ClinVar:

ClinVar aggregate classification (germline): Uncertain significance. Review status: criteria provided, multiple submitters, no conflicts (2 of 4 stars). 2 submissions from 2 submitters: Uncertain significance (2). Last evaluated 2023-10-19.

Conditions:
Aniridia 1 (AN1). Identifiers: Orphanet 250923, MedGen C0344542, MONDO:0024507, OMIM 106210.
Irido-corneo-trabecular dysgenesis (ASGD5). Also called: ANTERIOR SEGMENT DYSGENESIS 5. Identifiers: Orphanet 708, MedGen C0344559, MONDO:0011414, OMIM 604229, HP:0000659.

Submissions (2):

Labcorp Genetics (formerly Invitae), Labcorp
Classification: Uncertain significance for Aniridia 1; Irido-corneo-trabecular dysgenesis. Last evaluated: 2023-10-19. Review status: criteria provided, single submitter. Criteria: Invitae Variant Classification Sherloc (09022015). Collection method: clinical testing. Allele origin: germline.
Comment: This sequence change replaces tryptophan, which is neutral and slightly polar, with serine, which is neutral and polar, at codon 257 of the PAX6 protein (p.Trp257Ser). This variant is not present in population databases (gnomAD no frequency). This variant has not been reported in the literature in individuals affected with PAX6-related conditions. Advanced modeling of protein sequence and biophysical properties (such as structural, functional, and spatial information, amino acid conservation, physicochemical variation, residue mobility, and thermodynamic stability) performed at Invitae indicates that this missense variant is not expected to disrupt PAX6 protein function. In summary, the available evidence is currently insufficient to determine the role of this variant in disease. Therefore, it has been classified as a Variant of Uncertain Significance.

Blueprint Genetics
Classification: Uncertain significance. Last evaluated: 2022-05-06. Review status: criteria provided, single submitter. Criteria: ACMG Guidelines, 2015. Collection method: clinical testing. Allele origin: germline.

NM_001368894.2(PAX6):c.812G>C (p.Trp271Ser)

Gene: PAX6 (paired box 6; minus strand). Cytogenetic location: 11p13.
Variant type: single nucleotide variant.
Coding change: c.812G>C on transcript NM_001368894.2 (MANE Select); coding-DNA position 812, G replaced by C.
Protein change: p.Trp271Ser; replaces tryptophan 271 with serine.
Molecular consequence: missense variant. On other transcripts: non-coding transcript variant (2).
Genome position (GRCh38, 1-based): chr11:31,793,798, C>G on the plus strand (G>C on the coding strand, the complement: PAX6 is on the minus strand). VCF-style: chr11-31793798-C-G. GRCh37 (hg19) VCF-style: chr11-31815346-C-G.
Other names: c.770G>C, p.Trp257Ser (NM_000280.6, NM_001127612.3, NM_001258464.2 and 10 more transcripts); c.812G>C, p.Trp271Ser (NM_001258462.3, NM_001258463.2, NM_001310158.2 and 6 more transcripts); c.362G>C, p.Trp121Ser (NM_001310160.2, NM_001310161.3, NM_001368899.2 and 11 more transcripts); c.1013G>C, p.Trp338Ser (NM_001368910.2); c.815G>C, p.Trp272Ser (NM_001368911.2); c.887G>C, p.Trp296Ser (NM_001368918.2, NM_001368919.2); c.845G>C, p.Trp282Ser (NM_001368920.2); c.611G>C, p.Trp204Ser (NM_001368921.2, NM_001368922.2, NM_001368923.2 and 4 more transcripts); and 2 more; short protein forms W121S, W190S, W257S, W282S, W56S, W204S, W338S, W272S.
Identifiers: ClinVar variation 2953082 (VCV002953082.4), dbSNP rs1592416453, ClinGen allele CA379956577.